The following is an entry in ClinVar:

ClinVar aggregate classification (germline): Uncertain significance (1 of 4 stars; one submission).

Conditions:
Polyglucosan body myopathy type 1 (PGBM1). Also called: POLYGLUCOSAN BODY MYOPATHY WITHOUT IMMUNODEFICIENCY; Polyglucosan body myopathy 1 with or without immunodeficiency. Identifiers: Orphanet 329173, Orphanet 397937, MedGen C4014605, MONDO:0014389, OMIM 615895.

Allele frequency attached by ClinVar (database versions not stated): gnomAD exomes below 0.00001 and 0.00001; gnomAD 0.00001 and 0.00002; TOPMed 0.00002.
gnomAD v4.1: 11 of 1,614,094 alleles (0.00068%); highest among the groups gnomAD compares: East Asian, 0.013%; no homozygotes.

Submission:

Labcorp Genetics (formerly Invitae), Labcorp
Classification: Uncertain significance for Polyglucosan body myopathy type 1. Last evaluated: 2022-07-19. Review status: criteria provided, single submitter. Criteria: Invitae Variant Classification Sherloc (09022015). Collection method: clinical testing. Allele origin: germline.
Comment: This sequence change replaces methionine with valine at codon 28 of the RBCK1 protein (p.Met28Val). The methionine residue is weakly conserved and there is a small physicochemical difference between methionine and valine. This variant is present in population databases (no rsID available, gnomAD 0.02%). This variant has not been reported in the literature in individuals affected with RBCK1-related conditions. ClinVar contains an entry for this variant (Variation ID: 1437853). Algorithms developed to predict the effect of missense changes on protein structure and function output the following: SIFT: "Not Available"; PolyPhen-2: "Benign"; Align-GVGD: "Not Available". The valine amino acid residue is found in multiple mammalian species, which suggests that this missense change does not adversely affect protein function. In summary, the available evidence is currently insufficient to determine the role of this variant in disease. Therefore, it has been classified as a Variant of Uncertain Significance.

NM_031229.4(RBCK1):c.82A>G (p.Met28Val)

Gene: RBCK1 (RANBP2-type and C3HC4-type zinc finger containing 1; plus strand). Cytogenetic location: 20p13.
Variant type: single nucleotide variant.
Coding change: c.82A>G on transcript NM_031229.4 (MANE Select); coding-DNA position 82, A replaced by G.
Protein change: p.Met28Val; replaces methionine 28 with valine.
Molecular consequence: missense variant. On other transcripts: 5 prime UTR variant (1), non-coding transcript variant (1), intron variant (2).
Genome position (GRCh38, 1-based): chr20:409,940, A>G. VCF-style: chr20-409940-A-G. GRCh37 (hg19) VCF-style: chr20-390584-A-G.
Other names: c.-268A>G (NM_001323956.2); c.82A>G, p.Met28Val (NM_001323960.2); c.41+1161A>G (NM_006462.6); c.-183+1161A>G (NM_001323958.2); short protein forms M28V.
Identifiers: ClinVar variation 1437853 (VCV001437853.3), dbSNP rs909682858, ClinGen allele CA310667417.
Genomic context (GRCh38, chr20:409,940, plus strand): 5'-GCAGAGGAAATGGCCCTGAGCCTCACCCGAGCAGTGGCGGGCGGGGATGAACAGGTGGCA[A>G]TGAAGTGTGCCATCTGGCTGGCAGAGCAACGGGTGCCCCTGAGTGTGCAACTGAAGCCTG-3'
Protein context (NP_112506.2, residues 18-38): AVAGGDEQVA[Met28Val]KCAIWLAEQR